The following is an entry in ClinVar:

ClinVar aggregate classification (germline): Uncertain significance (1 of 4 stars; one submission).

gnomAD v4.1: 2 of 1,613,796 alleles (0.00012%); highest among the groups gnomAD compares: Non-Finnish European, 0.00017%; no homozygotes.

Submission:

GeneDx
Classification: Uncertain significance. Last evaluated: 2023-07-20. Review status: criteria provided, single submitter. Criteria: GeneDx Variant Classification Process June 2021. Collection method: clinical testing. Allele origin: germline. Affected: yes.
Comment: In silico analysis supports that this missense variant has a deleterious effect on protein structure/function; Has not been previously published as pathogenic or benign to our knowledge

NM_001367873.1(SOX6):c.1562G>A (p.Gly521Asp)

Gene: SOX6 (SRY-box transcription factor 6; minus strand). Cytogenetic location: 11p15.2.
Variant type: single nucleotide variant.
Coding change: c.1562G>A on transcript NM_001367873.1 (MANE Select); coding-DNA position 1562, G replaced by A.
Protein change: p.Gly521Asp; replaces glycine 521 with aspartic acid.
Molecular consequence: missense variant.
Genome position (GRCh38, 1-based): chr11:16,046,575, C>T on the plus strand (G>A on the coding strand, the complement: SOX6 is on the minus strand). VCF-style: chr11-16046575-C-T. GRCh37 (hg19) VCF-style: chr11-16068121-C-T.
Other names: c.1481G>A, p.Gly494Asp (NM_001145811.2, NM_017508.3); c.1562G>A, p.Gly521Asp (NM_001145819.2, NM_033326.3); c.1439G>A, p.Gly480Asp (NM_001367872.1); short protein forms G480D, G494D, G521D.
Identifiers: ClinVar variation 3361168 (VCV003361168.1).
Genomic context (GRCh38, chr11:16,046,575, plus strand): 5'-TTTTCATTCCTGCAGCTGTTCAGCCCCATATTATTTATGGAGGACAGTTTCCCGTCAACA[C>T]CATGTGGCTGTTGCTGCTGTTGCTCCCGCTGGATCTGCTCTCGCATCTTCCGCGCCTCCT-3'
Protein context (NP_001354802.1, residues 511-531): QREQQQQQPH[Gly521Asp]VDGKLSSINN